The following is an entry in ClinVar:

NM_001184.4(ATR):c.5789T>A (p.Val1930Glu)

Gene: ATR (ATR checkpoint kinase; minus strand). Cytogenetic location: 3q23.
Variant type: single nucleotide variant.
Coding change: c.5789T>A on transcript NM_001184.4 (MANE Select); coding-DNA position 5789, T replaced by A.
Protein change: p.Val1930Glu; replaces valine 1930 with glutamic acid.
Molecular consequence: missense variant.
Genome position (GRCh38, 1-based): chr3:142,496,470, A>T on the plus strand (T>A on the coding strand, the complement: ATR is on the minus strand). VCF-style: chr3-142496470-A-T. GRCh37 (hg19) VCF-style: chr3-142215312-A-T.
Other names: c.5597T>A, p.Val1866Glu (NM_001354579.2); short protein forms V1866E, V1930E.
Identifiers: ClinVar variation 1749633 (VCV001749633.2), dbSNP rs1174152895, ClinGen allele CA354813775.
Genomic context (GRCh38, chr3:142,496,470, plus strand): 5'-GATTCCCCTGCATTAAGGAGAGCATTGTAGGCTGTCTGGTGGTGACCAGCCTTTCTAGCT[A>T]CCCTGGCACTCTGCAGCCAGCATTCTCCAACCATTTCATTGTAATCTGGTCTAAAGGAAG-3'
Protein context (NP_001175.2, residues 1920-1940): VGECWLQSAR[Val1930Glu]ARKAGHHQTA

ClinVar aggregate classification (germline): Uncertain significance (1 of 4 stars; one submission).

Conditions:
Inborn genetic diseases. Identifiers: MedGen C0950123, MeSH D030342.

Submission:

Ambry Genetics
Classification: Uncertain significance for Inborn genetic diseases. Last evaluated: 2022-06-11. Review status: criteria provided, single submitter. Criteria: Ambry Variant Classification Scheme 2023. Collection method: clinical testing. Allele origin: germline.
Comment: The p.V1930E variant (also known as c.5789T>A), located in coding exon 34 of the ATR gene, results from a T to A substitution at nucleotide position 5789. The valine at codon 1930 is replaced by glutamic acid, an amino acid with dissimilar properties. This amino acid position is conserved. In addition, this alteration is predicted to be deleterious by in silico analysis. Since supporting evidence is limited at this time, the clinical significance of this alteration remains unclear.